The following is an entry in ClinVar:

NM_015450.3(POT1):c.887A>G (p.Asn296Ser)

Gene: POT1 (protection of telomeres 1; minus strand). Cytogenetic location: 7q31.33.
Variant type: single nucleotide variant.
Coding change: c.887A>G on transcript NM_015450.3 (MANE Select); coding-DNA position 887, A replaced by G.
Protein change: p.Asn296Ser; replaces asparagine 296 with serine.
Molecular consequence: missense variant. On other transcripts: non-coding transcript variant (3).
Genome position (GRCh38, 1-based): chr7:124,851,934, T>C on the plus strand (A>G on the coding strand, the complement: POT1 is on the minus strand). VCF-style: chr7-124851934-T-C. GRCh37 (hg19) VCF-style: chr7-124491988-T-C.
Other names: c.494A>G, p.Asn165Ser (NM_001042594.2); short protein forms N296S, N165S.
Identifiers: ClinVar variation 3715393 (VCV003715393.2).

ClinVar aggregate classification (germline): Uncertain significance (1 of 4 stars; one submission).

Conditions:
Tumor predisposition syndrome 3 (TPDS3). Also called: Glioma susceptibility 9; LONG TELOMERE SYNDROME, POT1-RELATED; POT1 Tumor Predisposition; Melanoma, cutaneous malignant, susceptibility to, 10. Identifiers: Orphanet 618, MedGen C4014476, MONDO:0014368, OMIM 615848.

Submission:

Labcorp Genetics (formerly Invitae), Labcorp
Classification: Uncertain significance for Tumor predisposition syndrome 3. Last evaluated: 2024-06-24. Review status: criteria provided, single submitter. Criteria: Invitae Variant Classification Sherloc (09022015). Collection method: clinical testing. Allele origin: germline.
Comment: This sequence change replaces asparagine, which is neutral and polar, with serine, which is neutral and polar, at codon 296 of the POT1 protein (p.Asn296Ser). This variant is not present in population databases (gnomAD no frequency). This variant has not been reported in the literature in individuals affected with POT1-related conditions. Advanced modeling of protein sequence and biophysical properties (such as structural, functional, and spatial information, amino acid conservation, physicochemical variation, residue mobility, and thermodynamic stability) performed at Invitae indicates that this missense variant is not expected to disrupt POT1 protein function with a negative predictive value of 80%. In summary, the available evidence is currently insufficient to determine the role of this variant in disease. Therefore, it has been classified as a Variant of Uncertain Significance.